The following is an entry in ClinVar:

NM_018238.4(AGK):c.380C>T (p.Thr127Ile)

Gene: AGK (acylglycerol kinase; plus strand). Cytogenetic location: 7q34.
Variant type: single nucleotide variant.
Coding change: c.380C>T on transcript NM_018238.4 (MANE Select); coding-DNA position 380, C replaced by T.
Protein change: p.Thr127Ile; replaces threonine 127 with isoleucine.
Molecular consequence: missense variant.
Genome position (GRCh38, 1-based): chr7:141,611,277, C>T. VCF-style: chr7-141611277-C-T. GRCh37 (hg19) VCF-style: chr7-141311077-C-T.
Other names: c.380C>T, p.Thr127Ile (NM_001364948.3); short protein forms T127I.
Identifiers: ClinVar variation 3842251 (VCV003842251.2).
Genomic context (GRCh38, chr7:141,611,277, plus strand): 5'-AGAAACTCCTGGAACTGATGGAAAACACGGATGTGATCATTGTTGCAGGAGGAGATGGGA[C>T]ACTGCAGGAGGTATGACTGTTTTTCTCTTTGAAGCTATTTTGAAGGTGAGAAAAATGGAA-3'
Protein context (NP_060708.1, residues 117-137): DVIIVAGGDG[Thr127Ile]LQEVVTGVLR

ClinVar aggregate classification (germline): Uncertain significance. Review status: criteria provided, multiple submitters, no conflicts (2 of 4 stars). 2 submissions from 2 submitters: Uncertain significance (2). Last evaluated 2025-07-17.

Conditions:
Inborn genetic diseases. Identifiers: MedGen C0950123, MeSH D030342.

gnomAD v4.1: 6 of 1,611,562 alleles (0.00037%); highest among the groups gnomAD compares: Admixed American, 0.01%; no homozygotes.

Submissions (2):

GeneDx
Classification: Uncertain significance. Last evaluated: 2025-07-17. Review status: criteria provided, single submitter. Criteria: GeneDx Variant Classification Process June 2021. Collection method: clinical testing. Allele origin: germline. Affected: yes.
Comment: Not observed at significant frequency in large population cohorts (gnomAD); In silico analysis supports that this missense variant has a deleterious effect on protein structure/function; Has not been previously published as pathogenic or benign to our knowledge

Ambry Genetics
Classification: Uncertain significance for Inborn genetic diseases. Last evaluated: 2025-01-26. Review status: criteria provided, single submitter. Criteria: Ambry Variant Classification Scheme 2023. Collection method: clinical testing. Allele origin: germline.